The following is an entry in ClinVar:

ClinVar aggregate classification (germline): Pathogenic (1 of 4 stars; one submission).

Submission:

Labcorp Genetics (formerly Invitae), Labcorp
Classification: Pathogenic. Last evaluated: 2025-09-25. Review status: criteria provided, single submitter. Criteria: Invitae Variant Classification Sherloc (09022015). Collection method: clinical testing. Allele origin: germline.
Comment: This sequence change creates a premature translational stop signal (p.Tyr135*) in the SERPINH1 gene. It is expected to result in an absent or disrupted protein product. Loss-of-function variants in SERPINH1 are known to be pathogenic (PMID: 20188343, 27677223, 27838364). This variant is not present in population databases (gnomAD no frequency). This variant has not been reported in the literature in individuals affected with SERPINH1-related conditions. For these reasons, this variant has been classified as Pathogenic.

Literature cited by the submitters: PubMed 20188343; PubMed 27677223; PubMed 27838364.

NM_001235.5(SERPINH1):c.405C>G (p.Tyr135Ter)

Gene: SERPINH1 (serpin family H member 1; plus strand). Cytogenetic location: 11q13.5.
Variant type: single nucleotide variant.
Coding change: c.405C>G on transcript NM_001235.5 (MANE Select); coding-DNA position 405, C replaced by G.
Protein change: p.Tyr135Ter; replaces tyrosine 135 with a stop codon.
Molecular consequence: nonsense.
Genome position (GRCh38, 1-based): chr11:75,566,754, C>G. VCF-style: chr11-75566754-C-G. GRCh37 (hg19) VCF-style: chr11-75277799-C-G.
Other names: c.405C>G, p.Tyr135Ter (NM_001207014.3, NM_001440311.1, NM_001440312.1 and 5 more transcripts); short protein forms Y135*.
Identifiers: ClinVar variation 4727844 (VCV004727844.1).